The following is an entry in ClinVar:

NM_170606.3(KMT2C):c.1050G>A (p.Pro350=)

Genes: KMT2C (lysine methyltransferase 2C; minus strand), LOC123956272 (Sharpr-MPRA regulatory region 15588; plus strand). Cytogenetic location: 7q36.1.
Variant type: single nucleotide variant.
Coding change: c.1050G>A on transcript NM_170606.3 (MANE Select); coding-DNA position 1050, G replaced by A.
Protein change: p.Pro350=; no amino-acid change (proline 350 retained).
Molecular consequence: synonymous variant.
Genome position (GRCh38, 1-based): chr7:152,265,172, C>T on the plus strand (G>A on the coding strand, the complement: KMT2C is on the minus strand). VCF-style: chr7-152265172-C-T. GRCh37 (hg19) VCF-style: chr7-151962257-C-T.
Identifiers: ClinVar variation 2579038 (VCV002579038.26), dbSNP rs62478357, ClinGen allele CA4581593.

ClinVar aggregate classification (germline): Likely benign. Review status: criteria provided, multiple submitters, no conflicts (2 of 4 stars). 2 submissions from 2 submitters: Likely benign (2). Last evaluated 2024-11-27.

Allele frequency attached by ClinVar (database versions not stated): gnomAD 0.00018; ExAC 0.10471.

Submissions (2):

Blueprint Genetics
Classification: Likely benign. Last evaluated: 2024-11-27. Review status: criteria provided, single submitter. Criteria: ACMG Guidelines, 2015. Collection method: clinical testing. Allele origin: germline.

CeGaT Center for Human Genetics Tuebingen
Classification: Likely benign. Last evaluated: 2023-08-01. Review status: criteria provided, single submitter. Criteria: CeGaT Center For Human Genetics Tuebingen Variant Classification Criteria Version 2. Collection method: clinical testing. Allele origin: germline. Affected: yes. Observed: 3 variant alleles.
Comment: KMT2C: BP4, BP7